The following is an entry in ClinVar:

NM_001204.7(BMPR2):c.1461T>G (p.Asp487Glu)

Gene: BMPR2 (bone morphogenetic protein receptor type 2; plus strand). Cytogenetic location: 2q33.2.
Variant type: single nucleotide variant.
Coding change: c.1461T>G on transcript NM_001204.7 (MANE Select); coding-DNA position 1461, T replaced by G.
Protein change: p.Asp487Glu; replaces aspartic acid 487 with glutamic acid.
Molecular consequence: missense variant.
Genome position (GRCh38, 1-based): chr2:202,552,763, T>G. VCF-style: chr2-202552763-T-G. GRCh37 (hg19) VCF-style: chr2-203417486-T-G.
Other names: short protein forms D487E.
Identifiers: ClinVar variation 1492450 (VCV001492450.6), dbSNP rs2106042103, ClinGen allele CA350344529.

ClinVar aggregate classification (germline): Likely pathogenic (1 of 4 stars; one submission).

Conditions:
Primary pulmonary hypertension. Also called: Idiopathic pulmonary hypertension. Identifiers: MedGen C0152171.

Submission:

Labcorp Genetics (formerly Invitae), Labcorp
Classification: Likely pathogenic for Primary pulmonary hypertension. Last evaluated: 2025-06-30. Review status: criteria provided, single submitter. Criteria: Invitae Variant Classification Sherloc (09022015). Collection method: clinical testing. Allele origin: germline.
Comment: This sequence change replaces aspartic acid, which is acidic and polar, with glutamic acid, which is acidic and polar, at codon 487 of the BMPR2 protein (p.Asp487Glu). This variant is not present in population databases (gnomAD no frequency). This missense change has been observed in individual(s) with pulmonary hypertension (internal data). ClinVar contains an entry for this variant (Variation ID: 1492450). Invitae Evidence Modeling incorporating data from in vitro experimental studies (internal data) indicates that this missense variant is not expected to disrupt BMPR2 function with a negative predictive value of 95%. This variant disrupts the p.Asp487 amino acid residue in BMPR2. Other variant(s) that disrupt this residue have been observed in individuals with BMPR2-related conditions (PMID: 21801371, 27453251, 33066286), which suggests that this may be a clinically significant amino acid residue. In summary, the currently available evidence indicates that the variant is pathogenic, but additional data are needed to prove that conclusively. Therefore, this variant has been classified as Likely Pathogenic.

Literature cited by the submitters: PubMed 21801371; PubMed 27453251; PubMed 33066286.